The following is an entry in ClinVar:

NM_201631.4(TGM5):c.825C>T (p.Tyr275=)

Gene: TGM5 (transglutaminase 5; minus strand). Cytogenetic location: 15q15.2.
Variant type: single nucleotide variant.
Coding change: c.825C>T on transcript NM_201631.4 (MANE Select); coding-DNA position 825, C replaced by T.
Protein change: p.Tyr275=; no amino-acid change (tyrosine 275 retained).
Molecular consequence: synonymous variant.
Genome position (GRCh38, 1-based): chr15:43,252,796, G>A on the plus strand (C>T on the coding strand, the complement: TGM5 is on the minus strand). VCF-style: chr15-43252796-G-A. GRCh37 (hg19) VCF-style: chr15-43544994-G-A.
Other names: c.579C>T, p.Tyr193= (NM_004245.4).
Identifiers: ClinVar variation 3053070 (VCV003053070.2), dbSNP rs138771869, ClinGen allele CA7521194.

ClinVar aggregate classification (germline): Likely benign (0 of 4 stars; one submission).

Conditions:
TGM5-related disorder. Also called: TGM5-related condition.

Allele frequency attached by ClinVar (database versions not stated): gnomAD 0.00011; gnomAD exomes 0.00011; ESP Exome Variant Server 0.00015; TOPMed 0.00019; ExAC 0.00029; 1000 Genomes Project 30x 0.00062; 1000 Genomes Project 0.00080.
gnomAD v4.1: 190 of 1,614,038 alleles (0.012%); highest among the groups gnomAD compares: East Asian, 0.082%; no homozygotes.

Submission:

PreventionGenetics, part of Exact Sciences
Classification: Likely benign for TGM5-related condition. Last evaluated: 2019-02-22. Review status: no assertion criteria provided. Collection method: clinical testing. Allele origin: germline.
Comment: This variant is classified as likely benign based on ACMG/AMP sequence variant interpretation guidelines (Richards et al. 2015 PMID: 25741868, with internal and published modifications).